The following is an entry in ClinVar:

ClinVar aggregate classification (germline): Uncertain significance (1 of 4 stars; one submission).

Submission:

Labcorp Genetics (formerly Invitae), Labcorp
Classification: Uncertain significance. Last evaluated: 2024-02-02. Review status: criteria provided, single submitter. Criteria: Invitae Variant Classification Sherloc (09022015). Collection method: clinical testing. Allele origin: germline.
Comment: This sequence change replaces glutamic acid, which is acidic and polar, with aspartic acid, which is acidic and polar, at codon 52 of the APOA5 protein (p.Glu52Asp). This variant is not present in population databases (gnomAD no frequency). This variant has not been reported in the literature in individuals affected with APOA5-related conditions. Algorithms developed to predict the effect of missense changes on protein structure and function output the following: SIFT: "Not Available"; PolyPhen-2: "Benign"; Align-GVGD: "Not Available". The aspartic acid amino acid residue is found in multiple mammalian species, which suggests that this missense change does not adversely affect protein function. In summary, the available evidence is currently insufficient to determine the role of this variant in disease. Therefore, it has been classified as a Variant of Uncertain Significance.

NM_001371904.1(APOA5):c.156G>C (p.Glu52Asp)

Genes: APOA5 (apolipoprotein A5; minus strand), LOC108491825 (enhancer-blocking element 11-1-2 overlapping APOA5; plus strand). Cytogenetic location: 11q23.3.
Variant type: single nucleotide variant.
Coding change: c.156G>C on transcript NM_001371904.1 (MANE Select); coding-DNA position 156, G replaced by C.
Protein change: p.Glu52Asp; replaces glutamic acid 52 with aspartic acid.
Molecular consequence: missense variant.
Genome position (GRCh38, 1-based): chr11:116,791,591, C>G on the plus strand (G>C on the coding strand, the complement: APOA5 is on the minus strand). VCF-style: chr11-116791591-C-G. GRCh37 (hg19) VCF-style: chr11-116662307-C-G.
Other names: c.156G>C, p.Glu52Asp (NM_001166598.2, NM_052968.5); short protein forms E52D.
Identifiers: ClinVar variation 3678298 (VCV003678298.2).